The following is an entry in ClinVar:

NM_152296.5(ATP1A3):c.1728G>A (p.Val576=)

Gene: ATP1A3 (ATPase Na+/K+ transporting subunit alpha 3; minus strand). Cytogenetic location: 19q13.2.
Variant type: single nucleotide variant.
Coding change: c.1728G>A on transcript NM_152296.5 (MANE Select); coding-DNA position 1728, G replaced by A.
Protein change: p.Val576=; no amino-acid change (valine 576 retained).
Molecular consequence: synonymous variant.
Genome position (GRCh38, 1-based): chr19:41,978,229, C>T on the plus strand (G>A on the coding strand, the complement: ATP1A3 is on the minus strand). VCF-style: chr19-41978229-C-T. GRCh37 (hg19) VCF-style: chr19-42482381-C-T.
Other names: p.Val576=; c.1761G>A, p.Val587= (NM_001256213.2); c.1767G>A, p.Val589= (NM_001256214.2).
Identifiers: ClinVar variation 1004920 (VCV001004920.7), dbSNP rs370436157, ClinGen allele CA308591802.
Genomic context (GRCh38, chr19:41,978,229, plus strand): 5'-ACACTTGCCCACCGCGTCAGGGACGGCTGCCCGGGGTGGGTCGATCATGGACATGAGGCC[C>T]ACAAAGCAGAGGTTGTCCGTGGTGAAGTTCACGTCATCACAGTCGAAGGCAAAGCCCTTG-3'
Protein context (NP_689509.1, residues 566-586): VNFTTDNLCF[Val576=]GLMSMIDPPR

ClinVar aggregate classification (germline): Conflicting classifications of pathogenicity. Review status: criteria provided, conflicting classifications (1 of 4 stars). 2 submissions from 2 submitters: Uncertain significance (1); Likely benign (1). Last evaluated 2025-02-06.

Conditions:
Dystonia 12 (DYT12). Also called: DYT-ATP1A3; Rapid-Onset Dystonia-Parkinsonism (RDP). Identifiers: Orphanet 71517, MedGen C1868681, MONDO:0007496, OMIM 128235.

Allele frequency attached by ClinVar (database versions not stated): gnomAD exomes 0.00001; gnomAD 0.00002 and 0.00003; TOPMed 0.00004; ESP Exome Variant Server 0.00008.
gnomAD v4.1: 11 of 1,614,052 alleles (0.00068%); highest among the groups gnomAD compares: African/African-American, 0.004%; no homozygotes.

Submissions (2):

Mayo Clinic Laboratories, Mayo Clinic
Classification: Uncertain significance. Last evaluated: 2025-02-06. Review status: criteria provided, single submitter. Criteria: ACMG Guidelines, 2015. Collection method: clinical testing. Allele origin: germline. Observed: 1 variant allele.
Comment: BP5

Labcorp Genetics (formerly Invitae), Labcorp
Classification: Likely benign for Dystonia 12. Last evaluated: 2025-01-23. Review status: criteria provided, single submitter. Criteria: Invitae Variant Classification Sherloc (09022015). Collection method: clinical testing. Allele origin: germline.